The following is an entry in ClinVar:

NM_000169.3(GLA):c.613C>G (p.Pro205Ala)

Genes: GLA (galactosidase alpha; minus strand), RPL36A-HNRNPH2 (RPL36A-HNRNPH2 readthrough; plus strand). Cytogenetic location: Xq22.1.
Variant type: single nucleotide variant.
Coding change: c.613C>G on transcript NM_000169.3 (MANE Select); coding-DNA position 613, C replaced by G.
Protein change: p.Pro205Ala; replaces proline 205 with alanine.
Molecular consequence: missense variant. On other transcripts: non-coding transcript variant (2), intron variant (2).
Genome position (GRCh38, 1-based): chrX:101,400,692, G>C on the plus strand (C>G on the coding strand, the complement: GLA is on the minus strand). VCF-style: chrX-101400692-G-C. GRCh37 (hg19) VCF-style: chrX-100655680-G-C.
Other names: c.736C>G, p.Pro246Ala (NM_001406747.1); c.613C>G, p.Pro205Ala (NM_001406748.1); c.300+5235G>C (NM_001199973.2); c.177+8870G>C (NM_001199974.2); short protein forms P205A, P246A.
Identifiers: ClinVar variation 1711995 (VCV001711995.10), dbSNP rs397515870, ClinGen allele CA413927258.
Genomic context (GRCh38, chrX:101,400,692, plus strand): 5'-ACAGTTCTATTGGATTCTGGGCTCACTATCTCACCTTTTGAAAGGGCCACATATAAAGAG[G>C]CCACTCACAGGAGTACACAATGCTTCTGCCAGTCCTATTCAGGGCCAAGGACATGTGCTT-3'
Protein context (NP_000160.1, residues 195-215): GRSIVYSCEW[Pro205Ala]LYMWPFQKPN

ClinVar aggregate classification (germline): Conflicting classifications of pathogenicity. Review status: criteria provided, conflicting classifications (1 of 4 stars). 4 submissions from 4 submitters: Likely pathogenic (1); Uncertain significance (3). Last evaluated 2026-09-08.

Conditions:
Fabry disease. Also called: GLA DEFICIENCY; HEREDITARY DYSTOPIC LIPIDOSIS; Fabry's disease; ALPHA-GALACTOSIDASE A DEFICIENCY; ANDERSON-FABRY DISEASE; CERAMIDE TRIHEXOSIDASE DEFICIENCY. Identifiers: Orphanet 324, MedGen C0002986, MONDO:0010526, OMIM 301500, HP:0001071. Disease mechanism: Fabry disease is due to inactivating mutations in the X-linked GLA gene resulting in deficiency of the enzyme Alpha Galactosidase-A., loss of function.

Allele frequency attached by ClinVar (database versions not stated): TOPMed below 0.00001; gnomAD 0.00001.
gnomAD v4.1: 2 of 1,177,925 alleles (0.00017%); highest among the groups gnomAD compares: Non-Finnish European, 0.00012%; no homozygotes.

Submissions (4):

Genomenon, Inc
Classification: Uncertain significance for Fabry disease. Last evaluated: 2026-09-08. Review status: criteria provided, single submitter. Criteria: Genomenon Sequence Variant Interpretation Standards - Updated. Collection method: curation. Allele origin: germline. Affected: no.
Comment: GLA p.Pro205Ala (c.613C>G) is a missense variant that changes the amino acid at codon 205 from Proline to Alanine. This variant has been reported in the published literature (PMID:32813676). This variant is located in a mutational hotspot and/or important functional domain. It is absent or not present at a significant frequency in gnomAD. In silico models predict that this variant is possibly or probably damaging. In conclusion, we classify GLA p.Pro205Ala (c.613C>G) as a variant of uncertain significance.

All of Us Research Program, National Institutes of Health
Classification: Uncertain significance for Fabry disease. Last evaluated: 2024-03-24. Review status: criteria provided, single submitter. Criteria: ACMG Guidelines, 2015. Collection method: clinical testing. Allele origin: germline. Inheritance: X-linked inheritance. Observed: 1 variant allele, 1 hemizygote.
Comment: This missense variant replaces proline with alanine at codon 205 in the substrate binding region of the GLA protein. Computational prediction tools indicate that this variant has a deleterious impact on protein structure and function. To our knowledge, functional studies have not been reported for this variant. This variant has not been identified in the general population by the Genome Aggregation Database (gnomAD). A different variant affecting the same codon, p.Pro205Thr, is considered to be disease-causing (ClinVar variation ID: 42456), suggesting that proline at this position is important for GLA protein function. Although there is a suspicion that this variant may be associated with disease, additional studies are necessary to determine the role of this variant in disease conclusively. Therefore, this variant is classified as a Variant of Uncertain Significance.

This study involves interpretation of variants in research participants for the purpose of population health screening. Participant phenotype was not available at the time of variant classification. Additional details can be found in publication PMID: 35346344, PMCID: PMC8962531

Labcorp Genetics (formerly Invitae), Labcorp
Classification: Uncertain significance for Fabry disease. Last evaluated: 2023-09-05. Review status: criteria provided, single submitter. Criteria: Invitae Variant Classification Sherloc (09022015). Collection method: clinical testing. Allele origin: germline.
Comment: In summary, the available evidence is currently insufficient to determine the role of this variant in disease. Therefore, it has been classified as a Variant of Uncertain Significance. This variant disrupts the p.Pro205 amino acid residue in GLA. Other variant(s) that disrupt this residue have been determined to be pathogenic (PMID: 8875188, 15776423, 18205205, 21598360). This suggests that this residue is clinically significant, and that variants that disrupt this residue are likely to be disease-causing. Advanced modeling of protein sequence and biophysical properties (such as structural, functional, and spatial information, amino acid conservation, physicochemical variation, residue mobility, and thermodynamic stability) has been performed at Invitae for this missense variant, however the output from this modeling did not meet the statistical confidence thresholds required to predict the impact of this variant on GLA protein function. ClinVar contains an entry for this variant (Variation ID: 1711995). This missense change has been observed in individual(s) with Fabry disease (PMID: 32813676). This variant is not present in population databases (gnomAD no frequency). This sequence change replaces proline, which is neutral and non-polar, with alanine, which is neutral and non-polar, at codon 205 of the GLA protein (p.Pro205Ala).

GeneDx
Classification: Likely pathogenic. Last evaluated: 2022-09-22. Review status: criteria provided, single submitter. Criteria: GeneDx Variant Classification Process June 2021. Collection method: clinical testing. Allele origin: germline. Affected: yes.
Comment: Not observed at significant frequency in large population cohorts (gnomAD); In silico analysis supports that this missense variant has a deleterious effect on protein structure/function; Observed in individuals with non-classical Fabry disease in the published literature (Onay et al., 2020); This variant is associated with the following publications: (PMID: 32813676)

Literature cited by the submitters: PubMed 32813676 (cited by 3 submitters); PubMed 8875188 (cited by Labcorp Genetics (formerly Invitae), Labcorp); PubMed 15776423 (cited by Labcorp Genetics (formerly Invitae), Labcorp); PubMed 18205205 (cited by Labcorp Genetics (formerly Invitae), Labcorp); PubMed 21598360 (cited by Labcorp Genetics (formerly Invitae), Labcorp).